The following is an entry in ClinVar:

ClinVar aggregate classification (germline): Uncertain significance. Review status: criteria provided, multiple submitters, no conflicts (2 of 4 stars). 3 submissions from 3 submitters: Uncertain significance (2). 1 of the submissions does not count toward it. Last evaluated 2024-11-12.

Conditions:
DCDC2-related disorder. Also called: DCDC2-related condition.
Inborn genetic diseases. Identifiers: MedGen C0950123, MeSH D030342.

Allele frequency attached by ClinVar (database versions not stated): gnomAD 0.00001; gnomAD exomes 0.00001; TOPMed 0.00001.
gnomAD v4.1: 12 of 1,614,022 alleles (0.00074%); highest among the groups gnomAD compares: Non-Finnish European, 0.00085%; no homozygotes.

Submissions (3):

GeneDx
Classification: Uncertain significance. Last evaluated: 2024-11-12. Review status: criteria provided, single submitter. Criteria: GeneDx Variant Classification Process June 2021. Collection method: clinical testing. Allele origin: germline. Affected: yes.
Comment: Not observed at significant frequency in large population cohorts (gnomAD); In silico analysis indicates that this missense variant does not alter protein structure/function; Has not been previously published as pathogenic or benign to our knowledge

Ambry Genetics
Classification: Uncertain significance for Inborn genetic diseases. Last evaluated: 2023-03-20. Review status: criteria provided, single submitter. Criteria: Ambry Variant Classification Scheme 2023. Collection method: clinical testing. Allele origin: germline.

PreventionGenetics, part of Exact Sciences
Classification: Uncertain significance for DCDC2-related condition. Last evaluated: 2024-05-22. Review status: no assertion criteria provided. Collection method: clinical testing. Allele origin: germline. Not counted in ClinVar's aggregate classification.
Comment: The DCDC2 c.978A>C variant is predicted to result in the amino acid substitution p.Glu326Asp. To our knowledge, this variant has not been reported in the literature or in a large population database, indicating this variant is rare. At this time, the clinical significance of this variant is uncertain due to the absence of conclusive functional and genetic evidence.

NM_016356.5(DCDC2):c.978A>C (p.Glu326Asp)

Gene: DCDC2 (doublecortin domain containing 2; minus strand). Cytogenetic location: 6p22.3.
Variant type: single nucleotide variant.
Coding change: c.978A>C on transcript NM_016356.5 (MANE Select); coding-DNA position 978, A replaced by C.
Protein change: p.Glu326Asp; replaces glutamic acid 326 with aspartic acid.
Molecular consequence: missense variant.
Genome position (GRCh38, 1-based): chr6:24,205,047, T>G on the plus strand (A>C on the coding strand, the complement: DCDC2 is on the minus strand). VCF-style: chr6-24205047-T-G. GRCh37 (hg19) VCF-style: chr6-24205275-T-G.
Other names: c.978A>C, p.Glu326Asp (NM_001195610.2); c.978A>C (NM_016356.4); short protein forms E326D.
Identifiers: ClinVar variation 2526899 (VCV002526899.4), dbSNP rs1408902119, ClinGen allele CA363277485.
Genomic context (GRCh38, chr6:24,205,047, plus strand): 5'-AGGCATGGAGATTACCTGATCGACTGGAACCTCAACCTGAGTATCTTCATCTTCTTGGAC[T>G]TCTGCTGCCCCCCGTGTTTCAGACCTCTCTGCTCCAGCTTTGAAAATGCCTTCATCTATT-3'
Protein context (NP_057440.2, residues 316-336): AERSETRGAA[Glu326Asp]VQEDEDTQVE